The following is an entry in ClinVar:

GRCh37/hg19 15q11.2-13.1(chr15:23615769-28534245)x1

Genes: ATP10A (ATPase phospholipid transporting 10A (putative); minus strand), GABRA5 (gamma-aminobutyric acid type A receptor subunit alpha5; plus strand), GABRB3 (gamma-aminobutyric acid type A receptor subunit beta3; minus strand), GABRG3 (gamma-aminobutyric acid type A receptor subunit gamma3; plus strand), GOLGA6L2 (golgin A6 family like 2; minus strand) and 19 more. Cytogenetic location: 15q11.2-13.1.
Variant type: copy number loss.
Change: copy number 1 (one copy instead of two) of chr15:23,615,769-28,534,245 (4.92 Mb, GRCh37 coordinates, 1-based), cytogenetic band 15q11.2-13.1.
Identifiers: ClinVar variation 1808668 (VCV001808668.1).

ClinVar aggregate classification (germline): Pathogenic (1 of 4 stars; one submission).

Submission:

Quest Diagnostics Nichols Institute San Juan Capistrano
Classification: Pathogenic. Last evaluated: 2022-05-18. Review status: criteria provided, single submitter. Criteria: ACMG/ClinGen CNV Guidelines, 2019. Collection method: clinical testing. Allele origin: unknown.
Comment: The 15q11q13 recurrent deletion interval (BP2-BP3) of the Prader-Willi/Angelman critical region includes several imprinted genes, including paternally expressed SNRPN and maternally expressed UBE3A. This deletion is consistent with either Angelman (AS; OMIM 105830) or Prader-Willi (PWS; OMIM 176270) syndrome, depending on the parent of origin for the deleted chromosome 15 segment. See GeneReviews for additional information and references regarding Angelman Syndrome or Prader-Willi syndrome.